The following is an entry in ClinVar:

NM_018489.3(ASH1L):c.3888T>G (p.Ser1296Arg)

Gene: ASH1L (ASH1 like histone lysine methyltransferase; minus strand). Cytogenetic location: 1q22.
Variant type: single nucleotide variant.
Coding change: c.3888T>G on transcript NM_018489.3 (MANE Select); coding-DNA position 3888, T replaced by G.
Protein change: p.Ser1296Arg; replaces serine 1296 with arginine.
Molecular consequence: missense variant.
Genome position (GRCh38, 1-based): chr1:155,478,982, A>C on the plus strand (T>G on the coding strand, the complement: ASH1L is on the minus strand). VCF-style: chr1-155478982-A-C. GRCh37 (hg19) VCF-style: chr1-155448773-A-C.
Other names: c.3888T>G, p.Ser1296Arg (NM_001366177.2); short protein forms S1296R.
Identifiers: ClinVar variation 3361254 (VCV003361254.1).
Genomic context (GRCh38, chr1:155,478,982, plus strand): 5'-CAGAAGATCTCGGGGGATAAAATGATGACTTCGATGAGTGATCCGAATTTCACTTAGGCG[A>C]CTTATTAGTTCCTCCAGCTCTGCAATAAAGTCTGGATCCTGTCTATTTCGAAGCTGGGGA-3'
Protein context (NP_060959.2, residues 1286-1306): DFIAELEELI[Ser1296Arg]RLSEIRITHR

ClinVar aggregate classification (germline): Uncertain significance (1 of 4 stars; one submission).

Submission:

GeneDx
Classification: Uncertain significance. Last evaluated: 2023-07-21. Review status: criteria provided, single submitter. Criteria: GeneDx Variant Classification Process June 2021. Collection method: clinical testing. Allele origin: germline. Affected: yes.
Comment: Not observed at significant frequency in large population cohorts (gnomAD); In silico analysis supports that this missense variant does not alter protein structure/function; Has not been previously published as pathogenic or benign to our knowledge